The following is an entry in ClinVar:

ClinVar aggregate classification (germline): Likely benign. Review status: criteria provided, multiple submitters, no conflicts (2 of 4 stars). 4 submissions from 4 submitters: Likely benign (4). Last evaluated 2025-03-15.

Conditions:
Hereditary insensitivity to pain with anhidrosis (CIPA). Also called: HSAN Type IV; NTRK1 Congenital Insensitivity to Pain with Anhidrosis; NEUROPATHY, CONGENITAL SENSORY, WITH ANHIDROSIS; hereditary sensory and autonomic neuropathy type 4; FAMILIAL DYSAUTONOMIA, TYPE II; INSENSITIVITY TO PAIN, CONGENITAL, WITH ANHIDROSIS. Identifiers: Orphanet 642, MedGen C0020074, MONDO:0009746, OMIM 256800.
Inborn genetic diseases. Identifiers: MedGen C0950123, MeSH D030342.

Allele frequency attached by ClinVar (database versions not stated): gnomAD 0.00001; gnomAD exomes 0.00001.
gnomAD v4.1: 20 of 1,613,232 alleles (0.0012%); highest among the groups gnomAD compares: Non-Finnish European, 0.0016%; no homozygotes.

Submissions (4):

Labcorp Genetics (formerly Invitae), Labcorp
Classification: Likely benign for Hereditary insensitivity to pain with anhidrosis. Last evaluated: 2025-03-15. Review status: criteria provided, single submitter. Criteria: Invitae Variant Classification Sherloc (09022015). Collection method: clinical testing. Allele origin: germline.

Genome-Nilou Lab
Classification: Likely benign for Hereditary insensitivity to pain with anhidrosis. Last evaluated: 2023-04-11. Review status: criteria provided, single submitter. Criteria: ACMG Guidelines, 2015. Collection method: clinical testing. Allele origin: germline. Affected: no.

Ambry Genetics
Classification: Likely benign for Inborn genetic diseases. Last evaluated: 2019-07-11. Review status: criteria provided, single submitter. Criteria: Ambry Variant Classification Scheme 2023. Collection method: clinical testing. Allele origin: germline.

GeneDx
Classification: Likely benign. Last evaluated: 2016-01-14. Review status: criteria provided, single submitter. Criteria: GeneDx Variant Classification (06012015). Collection method: clinical testing. Allele origin: germline. Affected: yes.
Comment: This variant is considered likely benign or benign based on one or more of the following criteria: it is a conservative change, it occurs at a poorly conserved position in the protein, it is predicted to be benign by multiple in silico algorithms, and/or has population frequency not consistent with disease.

NM_002529.4(NTRK1):c.2067G>A (p.Leu689=)

Gene: NTRK1 (neurotrophic receptor tyrosine kinase 1; plus strand). Cytogenetic location: 1q23.1.
Variant type: single nucleotide variant.
Coding change: c.2067G>A on transcript NM_002529.4 (MANE Select); coding-DNA position 2067, G replaced by A.
Protein change: p.Leu689=; no amino-acid change (leucine 689 retained).
Molecular consequence: synonymous variant.
Genome position (GRCh38, 1-based): chr1:156,880,019, G>A. VCF-style: chr1-156880019-G-A. GRCh37 (hg19) VCF-style: chr1-156849811-G-A.
Other names: c.1959G>A, p.Leu653= (NM_001007792.1); c.2049G>A, p.Leu683= (NM_001012331.2).
Identifiers: ClinVar variation 382766 (VCV000382766.14), dbSNP rs1057521447, ClinGen allele CA16603452.